The following is an entry in ClinVar:

ClinVar aggregate classification (germline): Uncertain significance (1 of 4 stars; one submission).

Submission:

Labcorp Genetics (formerly Invitae), Labcorp
Classification: Uncertain significance. Last evaluated: 2026-01-03. Review status: criteria provided, single submitter. Criteria: Invitae Variant Classification Sherloc (09022015). Collection method: clinical testing. Allele origin: germline.
Comment: This sequence change replaces alanine, which is neutral and non-polar, with threonine, which is neutral and polar, at codon 496 of the ACAN protein (p.Ala496Thr). This variant is not present in population databases (gnomAD no frequency). This variant has not been reported in the literature in individuals affected with ACAN-related conditions. Invitae Evidence Modeling of protein sequence and biophysical properties (such as structural, functional, and spatial information, amino acid conservation, physicochemical variation, residue mobility, and thermodynamic stability) indicates that this missense variant is not expected to disrupt ACAN protein function with a negative predictive value of 80%. In summary, the available evidence is currently insufficient to determine the role of this variant in disease. Therefore, it has been classified as a Variant of Uncertain Significance.

NM_001369268.1(ACAN):c.1486G>A (p.Ala496Thr)

Gene: ACAN (aggrecan; plus strand). Cytogenetic location: 15q26.1.
Variant type: single nucleotide variant.
Coding change: c.1486G>A on transcript NM_001369268.1 (MANE Select); coding-DNA position 1486, G replaced by A.
Protein change: p.Ala496Thr; replaces alanine 496 with threonine.
Molecular consequence: missense variant.
Genome position (GRCh38, 1-based): chr15:88,847,299, G>A. VCF-style: chr15-88847299-G-A. GRCh37 (hg19) VCF-style: chr15-89390530-G-A.
Other names: c.1486G>A, p.Ala496Thr (NM_001135.4, NM_001411096.1, NM_001411097.1 and 1 more transcripts); short protein forms A496T.
Identifiers: ClinVar variation 4742554 (VCV004742554.1).